The following is an entry in ClinVar:

NM_000094.4(COL7A1):c.892C>T (p.Arg298Trp)

Gene: COL7A1 (collagen type VII alpha 1 chain; minus strand). Cytogenetic location: 3p21.31.
Variant type: single nucleotide variant.
Coding change: c.892C>T on transcript NM_000094.4 (MANE Select); coding-DNA position 892, C replaced by T.
Protein change: p.Arg298Trp; replaces arginine 298 with tryptophan.
Molecular consequence: missense variant.
Genome position (GRCh38, 1-based): chr3:48,592,654, G>A on the plus strand (C>T on the coding strand, the complement: COL7A1 is on the minus strand). VCF-style: chr3-48592654-G-A. GRCh37 (hg19) VCF-style: chr3-48630087-G-A.
Other names: short protein forms R298W.
Identifiers: ClinVar variation 2145822 (VCV002145822.1), dbSNP rs780113498, ClinGen allele CA2381409.

ClinVar aggregate classification (germline): Uncertain significance (1 of 4 stars; one submission).

Allele frequency attached by ClinVar (database versions not stated): gnomAD 0.00001; ExAC 0.00002; TOPMed 0.00002.
gnomAD v4.1: 22 of 1,613,710 alleles (0.0014%); highest among the groups gnomAD compares: Admixed American, 0.0033%; no homozygotes.

Submission:

Labcorp Genetics (formerly Invitae), Labcorp
Classification: Uncertain significance. Last evaluated: 2022-09-26. Review status: criteria provided, single submitter. Criteria: Invitae Variant Classification Sherloc (09022015). Collection method: clinical testing. Allele origin: germline.
Comment: This sequence change replaces arginine, which is basic and polar, with tryptophan, which is neutral and slightly polar, at codon 298 of the COL7A1 protein (p.Arg298Trp). This variant is present in population databases (rs780113498, gnomAD 0.01%). This variant has not been reported in the literature in individuals affected with COL7A1-related conditions. Advanced modeling of protein sequence and biophysical properties (such as structural, functional, and spatial information, amino acid conservation, physicochemical variation, residue mobility, and thermodynamic stability) performed at Invitae indicates that this missense variant is not expected to disrupt COL7A1 protein function. In summary, the available evidence is currently insufficient to determine the role of this variant in disease. Therefore, it has been classified as a Variant of Uncertain Significance.